The following is an entry in ClinVar:

ClinVar aggregate classification (germline): Uncertain significance. Review status: criteria provided, multiple submitters, no conflicts (2 of 4 stars). 3 submissions from 3 submitters: Uncertain significance (3). Last evaluated 2025-11-10.

Conditions:
Cardiovascular phenotype. Identifiers: MedGen CN230736.
Arrhythmogenic right ventricular dysplasia 9 (ARVD9). Also called: Arrhythmogenic Right Ventricular Dysplasia/Cardiomyopathy 9; ARRHYTHMOGENIC RIGHT VENTRICULAR DYSPLASIA, FAMILIAL, 9. Identifiers: MedGen C1836906, MONDO:0012180, OMIM 609040.
Cardiomyopathy (CMYO). Also called: Cardiomyopathies. Identifiers: Orphanet 167848, MedGen C0878544, MONDO:0004994, HP:0001638. Inheritance: Various modes of inheritance.

gnomAD v4.1: 2 of 1,613,474 alleles (0.00012%); no homozygotes.

Submissions (3):

Color Diagnostics, LLC DBA Color Health
Classification: Uncertain significance for Cardiomyopathy. Last evaluated: 2025-11-10. Review status: criteria provided, single submitter. Criteria: ACMG Guidelines, 2015. Collection method: clinical testing. Allele origin: germline.
Comment: This missense variant replaces glycine with tryptophan at codon 175 of the PKP2 protein. Computational prediction suggests that this variant may not impact protein structure and function. To our knowledge, functional studies have not been reported for this variant. This variant has not been reported in individuals affected with PKP2-related disorders in the literature. This variant has been identified in 2/1613474 chromosomes in the general population by the Genome Aggregation Database (gnomAD). The available evidence is insufficient to determine the role of this variant in disease conclusively. Therefore, this variant is classified as a Variant of Uncertain Significance.

Labcorp Genetics (formerly Invitae), Labcorp
Classification: Uncertain significance for Arrhythmogenic right ventricular dysplasia 9. Last evaluated: 2024-12-05. Review status: criteria provided, single submitter. Criteria: Invitae Variant Classification Sherloc (09022015). Collection method: clinical testing. Allele origin: germline.
Comment: This sequence change replaces glycine, which is neutral and non-polar, with tryptophan, which is neutral and slightly polar, at codon 175 of the PKP2 protein (p.Gly175Trp). This variant is not present in population databases (gnomAD no frequency). This variant has not been reported in the literature in individuals affected with PKP2-related conditions. ClinVar contains an entry for this variant (Variation ID: 1171957). An algorithm developed to predict the effect of missense changes on protein structure and function (PolyPhen-2) suggests that this variant is likely to be disruptive. In summary, the available evidence is currently insufficient to determine the role of this variant in disease. Therefore, it has been classified as a Variant of Uncertain Significance.

Ambry Genetics
Classification: Uncertain significance for Cardiovascular phenotype. Last evaluated: 2021-07-09. Review status: criteria provided, single submitter. Criteria: Ambry Variant Classification Scheme 2023. Collection method: clinical testing. Allele origin: germline.

NM_001005242.3(PKP2):c.523G>T (p.Gly175Trp)

Gene: PKP2 (plakophilin 2; minus strand). Cytogenetic location: 12p11.21.
Variant type: single nucleotide variant.
Coding change: c.523G>T on transcript NM_001005242.3 (MANE Select); coding-DNA position 523, G replaced by T.
Protein change: p.Gly175Trp; replaces glycine 175 with tryptophan.
Molecular consequence: missense variant.
Genome position (GRCh38, 1-based): chr12:32,878,357, C>A on the plus strand (G>T on the coding strand, the complement: PKP2 is on the minus strand). VCF-style: chr12-32878357-C-A. GRCh37 (hg19) VCF-style: chr12-33031291-C-A.
Other names: c.523G>T, p.Gly175Trp (NM_004572.4); short protein forms G175W.
Identifiers: ClinVar variation 1171957 (VCV001171957.9), dbSNP rs2137949835, ClinGen allele CA384364743.